The following is an entry in ClinVar:

ClinVar aggregate classification (germline): Conflicting classifications of pathogenicity. Review status: criteria provided, conflicting classifications (1 of 4 stars). 2 submissions from 2 submitters: Uncertain significance (1); Likely benign (1). Last evaluated 2025-10-27.

Conditions:
Arrhythmogenic cardiomyopathy with wooly hair and keratoderma. Also called: Carvajal syndrome; Dilated cardiomyopathy with woolly hair and keratoderma; Arrhythmogenic cardiomyopathy with woolly hair and keratoderma; PALMOPLANTAR KERATODERMA WITH LEFT VENTRICULAR CARDIOMYOPATHY AND WOOLLY HAIR. Identifiers: Orphanet 65282, MedGen C1854063, MONDO:0011581, OMIM 605676.
Arrhythmogenic right ventricular dysplasia 8 (ARVD8). Also called: Arrhythmogenic Right Ventricular Dysplasia/Cardiomyopathy 8; ARRHYTHMOGENIC RIGHT VENTRICULAR DYSPLASIA, FAMILIAL, 8; ARRHYTHMOGENIC RIGHT VENTRICULAR CARDIOMYOPATHY 8. Identifiers: MedGen C1843896, MONDO:0011831, OMIM 607450.
Cardiovascular phenotype. Identifiers: MedGen CN230736.

Allele frequency attached by ClinVar (database versions not stated): gnomAD exomes below 0.00001; TOPMed below 0.00001; gnomAD 0.00001; ExAC 0.00002.
gnomAD v4.1: 8 of 1,613,996 alleles (0.0005%); highest among the groups gnomAD compares: South Asian, 0.0022%; no homozygotes.

Submissions (2):

Labcorp Genetics (formerly Invitae), Labcorp
Classification: Likely benign for Arrhythmogenic cardiomyopathy with wooly hair and keratoderma; Arrhythmogenic right ventricular dysplasia 8. Last evaluated: 2025-10-27. Review status: criteria provided, single submitter. Criteria: Invitae Variant Classification Sherloc (09022015). Collection method: clinical testing. Allele origin: germline.

Ambry Genetics
Classification: Uncertain significance for Cardiovascular phenotype. Last evaluated: 2023-12-28. Review status: criteria provided, single submitter. Criteria: Ambry Variant Classification Scheme 2023. Collection method: clinical testing. Allele origin: germline.
Comment: The p.V520M variant (also known as c.1558G>A), located in coding exon 12 of the DSP gene, results from a G to A substitution at nucleotide position 1558. The valine at codon 520 is replaced by methionine, an amino acid with highly similar properties. This alteration has been seen in subject with features of hypertrophic cardiomyopathy (HCM) who also carried a missense alteration in MYBPC3 (Yang H et al. Front Cardiovasc Med, 2021 Jan;8:818884). This amino acid position is well conserved in available vertebrate species. In addition, the in silico prediction for this alteration is inconclusive. Since supporting evidence is limited at this time, the clinical significance of this alteration remains unclear.

Literature cited by the submitters: PubMed 35146008 (cited by Ambry Genetics).

NM_004415.4(DSP):c.1558G>A (p.Val520Met)

Gene: DSP (desmoplakin; plus strand). Cytogenetic location: 6p24.3.
Variant type: single nucleotide variant.
Coding change: c.1558G>A on transcript NM_004415.4 (MANE Select); coding-DNA position 1558, G replaced by A.
Protein change: p.Val520Met; replaces valine 520 with methionine.
Molecular consequence: missense variant.
Genome position (GRCh38, 1-based): chr6:7,569,324, G>A. VCF-style: chr6-7569324-G-A. GRCh37 (hg19) VCF-style: chr6-7569557-G-A.
Other names: c.1558G>A, p.Val520Met (NM_001008844.3, NM_001319034.2); short protein forms V520M.
Identifiers: ClinVar variation 2066882 (VCV002066882.5), dbSNP rs777545428, ClinGen allele CA028691.